The following is an entry in ClinVar:

NM_138711.6(PPARG):c.1221T>G (p.Ile407Met)

Gene: PPARG (peroxisome proliferator activated receptor gamma; plus strand). Cytogenetic location: 3p25.2.
Variant type: single nucleotide variant.
Coding change: c.1221T>G on transcript NM_138711.6 (MANE Select); coding-DNA position 1221, T replaced by G.
Protein change: p.Ile407Met; replaces isoleucine 407 with methionine.
Molecular consequence: missense variant. On other transcripts: 3 prime UTR variant (5).
Genome position (GRCh38, 1-based): chr3:12,433,938, T>G. VCF-style: chr3-12433938-T-G. GRCh37 (hg19) VCF-style: chr3-12475437-T-G.
Other names: c.*23T>G (NM_001330615.4, NM_001374261.3, NM_001374262.3 and 1 more transcripts); c.1221T>G, p.Ile407Met (NM_001354666.3, NM_001354667.3, NM_001374263.2 and 3 more transcripts); c.594T>G, p.Ile198Met (NM_001354669.2); c.*7T>G (NM_001374266.1); c.1311T>G, p.Ile437Met (NM_015869.5); short protein forms I407M, I198M, I437M.
Identifiers: ClinVar variation 1447289 (VCV001447289.6), dbSNP rs1011908622, ClinGen allele CA69571957.

ClinVar aggregate classification (germline): Uncertain significance (1 of 4 stars; one submission).

Allele frequency attached by ClinVar (database versions not stated): TOPMed below 0.00001.

Submission:

Labcorp Genetics (formerly Invitae), Labcorp
Classification: Uncertain significance. Last evaluated: 2021-11-01. Review status: criteria provided, single submitter. Criteria: Invitae Variant Classification Sherloc (09022015). Collection method: clinical testing. Allele origin: germline.
Comment: This variant has not been reported in the literature in individuals affected with PPARG-related conditions. In summary, the available evidence is currently insufficient to determine the role of this variant in disease. Therefore, it has been classified as a Variant of Uncertain Significance. Algorithms developed to predict the effect of missense changes on protein structure and function are either unavailable or do not agree on the potential impact of this missense change (SIFT: "Tolerated"; PolyPhen-2: "Possibly Damaging"; Align-GVGD: "Class C0"). This variant is not present in population databases (gnomAD no frequency). This sequence change replaces isoleucine, which is neutral and non-polar, with methionine, which is neutral and non-polar, at codon 437 of the PPARG protein (p.Ile437Met).